The following is an entry in ClinVar:

ClinVar aggregate classification (germline): Likely pathogenic. Review status: criteria provided, single submitter (1 of 4 stars). 2 submissions from 2 submitters: Likely pathogenic (1). 1 of the submissions does not count toward it. Last evaluated 2025-01-17.

Conditions:
Pituitary hormone deficiency, combined, 2. Also called: ATELIOTIC DWARFISM WITH HYPOGONADISM; HANHART DWARFISM; PITUITARY DWARFISM III; PROP1-Related Combined Pituitary Hormone Deficiency. Identifiers: MedGen C0878683, MONDO:0009878, OMIM 262600.

Allele frequency attached by ClinVar (database versions not stated): TOPMed below 0.00001.

Submissions (2):

Natera, Inc.
Classification: Likely pathogenic for Combined pituitary hormone deficiency type 2. Last evaluated: 2025-01-17. Review status: criteria provided, single submitter. Criteria: Natera Variant Classification Schema (03/2026). Collection method: clinical testing. Allele origin: germline.
Comment: The c.342+1G>A variant in PROP1 is a canonical splice donor site variant predicted to affect pre-mRNA splicing, which may result in an abnormal transcript and altered protein product. This variant is expected to result in nonsense mediated decay, truncation, or a dysfunctional protein product. This variant is rare in the general population with a frequency below the threshold expected for the associated phenotype(s). Given the available evidence, this variant is classified as Likely Pathogenic.

Counsyl
Classification: Likely pathogenic for Pituitary hormone deficiency, combined, 2. Last evaluated: 2017-08-30. Review status: no assertion criteria provided. Collection method: clinical testing. Allele origin: unknown. Not counted in ClinVar's aggregate classification.

NM_006261.5(PROP1):c.342+1G>A

Gene: PROP1 (PROP paired-like homeobox 1; minus strand). Cytogenetic location: 5q35.3.
Variant type: single nucleotide variant.
Coding change: c.342+1G>A on transcript NM_006261.5 (MANE Select); the canonical splice donor site of the intron after coding-DNA position 342, G replaced by A.
Molecular consequence: splice donor variant.
Genome position (GRCh38, 1-based): chr5:177,994,105, C>T on the plus strand (G>A on the coding strand, the complement: PROP1 is on the minus strand). VCF-style: chr5-177994105-C-T. GRCh37 (hg19) VCF-style: chr5-177421106-C-T.
Identifiers: ClinVar variation 553577 (VCV000553577.4), dbSNP rs1436089021, ClinGen allele CA362378940.
Genomic context (GRCh38, chr5:177,994,105, plus strand): 5'-TATGATAGCACCAAAGAAATCTGCATTTCTTTCCTGAGAGAGGAGGATCCTGGAGCATCA[C>T]CTGGATTCGGGCCTCACTGAGGCCAGTGTCCCGGGCAAGACTCTCTCGGGCCCAGATGTC-3'